The following is an entry in ClinVar:

NM_183050.4(BCKDHB):c.532G>T (p.Gly178Ter)

Gene: BCKDHB (branched chain keto acid dehydrogenase E1 subunit beta; plus strand). Cytogenetic location: 6q14.1.
Variant type: single nucleotide variant.
Coding change: c.532G>T on transcript NM_183050.4 (MANE Select); coding-DNA position 532, G replaced by T.
Protein change: p.Gly178Ter; replaces glycine 178 with a stop codon.
Molecular consequence: nonsense. On other transcripts: non-coding transcript variant (6).
Genome position (GRCh38, 1-based): chr6:80,168,929, G>T. VCF-style: chr6-80168929-G-T. GRCh37 (hg19) VCF-style: chr6-80878646-G-T.
Other names: c.532G>T, p.Gly178Ter (NM_001424045.1, NM_000056.5, NM_001424035.1 and 8 more transcripts); c.322G>T, p.Gly108Ter (NM_001318975.1, NM_001424043.1); c.532G>T (NM_183050.3); short protein forms G108*, G178*.
Identifiers: ClinVar variation 2694323 (VCV002694323.4), dbSNP rs2481898824, ClinGen allele CA364657801.
Genomic context (GRCh38, chr6:80,168,929, plus strand): 5'-CCTCAGATTGTTAATGAAGCTGCCAAGTATCGCTATCGCTCTGGGGATCTTTTTAACTGT[G>T]GAAGCCTCACTATCCGGTCCCCTTGGGGCTGTGTTGGTCATGGGGCTCTCTATCATTCTC-3'

ClinVar aggregate classification (germline): Pathogenic/Likely pathogenic. Review status: criteria provided, multiple submitters, no conflicts (2 of 4 stars). 2 submissions from 2 submitters: Pathogenic (1); Likely pathogenic (1). Last evaluated 2024-02-07.

Conditions:
Maple syrup urine disease type 1A (MSUD1A). Also called: MSUD type 1A. Identifiers: MedGen C1855369, MONDO:0023691, OMIM 248600.
Maple syrup urine disease (MSUD). Identifiers: Orphanet 511, MedGen C0024776, MeSH D008375, MONDO:0009563. Disease mechanism: loss of function.

Submissions (2):

Baylor Genetics
Classification: Likely pathogenic for Maple syrup urine disease type 1A. Last evaluated: 2024-02-07. Review status: criteria provided, single submitter. Criteria: ACMG Guidelines, 2015. Collection method: clinical testing. Allele origin: unknown.

Labcorp Genetics (formerly Invitae), Labcorp
Classification: Pathogenic for Maple syrup urine disease. Last evaluated: 2023-11-08. Review status: criteria provided, single submitter. Criteria: Invitae Variant Classification Sherloc (09022015). Collection method: clinical testing. Allele origin: germline.
Comment: This sequence change creates a premature translational stop signal (p.Gly178*) in the BCKDHB gene. It is expected to result in an absent or disrupted protein product. Loss-of-function variants in BCKDHB are known to be pathogenic (PMID: 16786533, 22593002). This variant is not present in population databases (gnomAD no frequency). This variant has not been reported in the literature in individuals affected with BCKDHB-related conditions. For these reasons, this variant has been classified as Pathogenic.

Literature cited by the submitters: PubMed 16786533 (cited by Labcorp Genetics (formerly Invitae), Labcorp); PubMed 22593002 (cited by Labcorp Genetics (formerly Invitae), Labcorp).